The following is an entry in ClinVar:

NM_000053.4(ATP7B):c.2588C>T (p.Pro863Leu)

Gene: ATP7B (ATPase copper transporting beta; minus strand). Cytogenetic location: 13q14.3.
Variant type: single nucleotide variant.
Coding change: c.2588C>T on transcript NM_000053.4 (MANE Select); coding-DNA position 2588, C replaced by T.
Protein change: p.Pro863Leu; replaces proline 863 with leucine.
Molecular consequence: missense variant.
Genome position (GRCh38, 1-based): chr13:51,950,149, G>A on the plus strand (C>T on the coding strand, the complement: ATP7B is on the minus strand). VCF-style: chr13-51950149-G-A. GRCh37 (hg19) VCF-style: chr13-52524285-G-A.
Other names: c.2102C>T, p.Pro701Leu (NM_001005918.3, NM_001406541.1, NM_001406542.1 and 1 more transcripts); c.2255C>T, p.Pro752Leu (NM_001243182.2); c.2354C>T, p.Pro785Leu (NM_001330578.2, NM_001406528.1, NM_001406534.1 and 2 more transcripts); c.2336C>T, p.Pro779Leu (NM_001330579.2, NM_001406531.1, NM_001406532.1 and 1 more transcripts); c.2588C>T, p.Pro863Leu (NM_001406511.1, NM_001406512.1, NM_001406513.1 and 7 more transcripts); c.2555C>T, p.Pro852Leu (NM_001406514.1); c.2492C>T, p.Pro831Leu (NM_001406517.1, NM_001406518.1); c.2348C>T, p.Pro783Leu (NM_001406530.1); and 8 more; short protein forms P433L, P669L, P779L, P804L, P647L, P747L, P752L, P815L.
Identifiers: ClinVar variation 2088851 (VCV002088851.4), dbSNP rs2547671549, ClinGen allele CA388015295.

ClinVar aggregate classification (germline): Uncertain significance (1 of 4 stars; one submission).

Conditions:
Wilson disease (WND). Also called: Wilson's disease. Identifiers: Orphanet 905, MedGen C0019202, MONDO:0010200, OMIM 277900. Disease mechanism: loss of function.

Submission:

Labcorp Genetics (formerly Invitae), Labcorp
Classification: Uncertain significance for Wilson disease. Last evaluated: 2022-01-21. Review status: criteria provided, single submitter. Criteria: Invitae Variant Classification Sherloc (09022015). Collection method: clinical testing. Allele origin: germline.
Comment: This sequence change replaces proline, which is neutral and non-polar, with leucine, which is neutral and non-polar, at codon 863 of the ATP7B protein (p.Pro863Leu). This variant is not present in population databases (gnomAD no frequency). This variant has not been reported in the literature in individuals affected with ATP7B-related conditions. Advanced modeling of protein sequence and biophysical properties (such as structural, functional, and spatial information, amino acid conservation, physicochemical variation, residue mobility, and thermodynamic stability) performed at Invitae indicates that this missense variant is expected to disrupt ATP7B protein function. In summary, the available evidence is currently insufficient to determine the role of this variant in disease. Therefore, it has been classified as a Variant of Uncertain Significance.